The following is an entry in ClinVar:

ClinVar aggregate classification (germline): Uncertain significance. Review status: criteria provided, single submitter (1 of 4 stars). 2 submissions from 2 submitters: Uncertain significance (1). 1 of the submissions does not count toward it. Last evaluated 2024-02-11.

Conditions:
Autoimmune interstitial lung disease-arthritis syndrome. Also called: Autoinflammation and autoimmunity, systemic, with immune dysregulation. Identifiers: Orphanet 444092, MedGen C5975714, MONDO:0014629.
COPA-related disorder. Also called: COPA-related condition.

Allele frequency attached by ClinVar (database versions not stated): gnomAD 0.00001; gnomAD exomes 0.00001; TOPMed 0.00001.
gnomAD v4.1: 8 of 1,596,272 alleles (0.0005%); highest among the groups gnomAD compares: Non-Finnish European, 0.00068%; no homozygotes.

Submissions (2):

Labcorp Genetics (formerly Invitae), Labcorp
Classification: Uncertain significance for Autoimmune interstitial lung disease-arthritis syndrome. Last evaluated: 2024-02-11. Review status: criteria provided, single submitter. Criteria: Invitae Variant Classification Sherloc (09022015). Collection method: clinical testing. Allele origin: germline.
Comment: This sequence change replaces proline, which is neutral and non-polar, with serine, which is neutral and polar, at codon 896 of the COPA protein (p.Pro896Ser). This variant is not present in population databases (gnomAD no frequency). This variant has not been reported in the literature in individuals affected with COPA-related conditions. ClinVar contains an entry for this variant (Variation ID: 1976428). Advanced modeling of protein sequence and biophysical properties (such as structural, functional, and spatial information, amino acid conservation, physicochemical variation, residue mobility, and thermodynamic stability) performed at Invitae indicates that this missense variant is not expected to disrupt COPA protein function with a negative predictive value of 80%. In summary, the available evidence is currently insufficient to determine the role of this variant in disease. Therefore, it has been classified as a Variant of Uncertain Significance.

PreventionGenetics, part of Exact Sciences
Classification: Uncertain significance for COPA-related condition. Last evaluated: 2024-09-19. Review status: no assertion criteria provided. Collection method: clinical testing. Allele origin: germline. Not counted in ClinVar's aggregate classification.
Comment: The COPA c.2686C>T variant is predicted to result in the amino acid substitution p.Pro896Ser. To our knowledge, this variant has not been reported in the literature or in a large population database, indicating this variant is rare. At this time, the clinical significance of this variant is uncertain due to the absence of conclusive functional and genetic evidence.

NM_004371.4(COPA):c.2686C>T (p.Pro896Ser)

Gene: COPA (coat protein complex I subunit alpha; minus strand). Cytogenetic location: 1q23.2.
Variant type: single nucleotide variant.
Coding change: c.2686C>T on transcript NM_004371.4 (MANE Select); coding-DNA position 2686, C replaced by T.
Protein change: p.Pro896Ser; replaces proline 896 with serine.
Molecular consequence: missense variant.
Genome position (GRCh38, 1-based): chr1:160,293,454, G>A on the plus strand (C>T on the coding strand, the complement: COPA is on the minus strand). VCF-style: chr1-160293454-G-A. GRCh37 (hg19) VCF-style: chr1-160263244-G-A.
Other names: c.2686C>T (NM_004371.3); c.2713C>T, p.Pro905Ser (NM_001098398.2); short protein forms P896S, P905S.
Identifiers: ClinVar variation 1976428 (VCV001976428.6), dbSNP rs1658307180, ClinGen allele CA343275117.
Genomic context (GRCh38, chr1:160,293,454, plus strand): 5'-GACTTGTTCCCTTGGTTGGGGGCACAAAGAAACCATCTTCAGCCCCACCAGCTGCCCCAG[G>A]GGATATATCCTAGGGGAAAAACAAAAATTGAGTATTGAGTAATTTTTTTTTTTTTTTTGA-3'
Protein context (NP_004362.2, residues 886-906): LELPPELDIS[Pro896Ser]GAAGGAEDGF